The following is an entry in ClinVar:

ClinVar aggregate classification (germline): Conflicting classifications of pathogenicity. Review status: criteria provided, conflicting classifications (1 of 4 stars). 7 submissions from 7 submitters: Uncertain significance (1); Likely benign (4). 2 of the submissions do not count toward it. Last evaluated 2025-05-01.

Conditions:
Chromosome 2q37 deletion syndrome (BDMR). Also called: 2q37 microdeletion syndrome; Chromosome 2, monosomy 2q37; Monosomy 2q37; Deletion 2q37; ALBRIGHT HEREDITARY OSTEODYSTROPHY-LIKE SYNDROME. Identifiers: Orphanet 1001, MedGen C2931817, MONDO:0010886, OMIM 600430.
Intellectual disability. Also called: Intellectual developmental disorder; Intellectual functioning disability; intellectual disabilities. Identifiers: MedGen C3714756, MeSH D008607, MONDO:0001071, HP:0001249.
Neurodevelopmental disorder with central hypotonia and dysmorphic facies (NEDCHF). Identifiers: MedGen C5676944, MONDO:0859232, OMIM 619797.
Inborn genetic diseases. Identifiers: MedGen C0950123, MeSH D030342.

Allele frequency attached by ClinVar (database versions not stated): TOPMed 0.00013; gnomAD 0.00016.
gnomAD v4.1: 416 of 1,605,134 alleles (0.026%); highest among the groups gnomAD compares: Non-Finnish European, 0.033%; no homozygotes.

Submissions (7):

CeGaT Center for Human Genetics Tuebingen
Classification: Likely benign. Last evaluated: 2025-05-01. Review status: criteria provided, single submitter. Criteria: CeGaT Center For Human Genetics Tuebingen Variant Classification Criteria Version 2. Collection method: clinical testing. Allele origin: germline. Affected: yes. Observed: 1 variant allele.
Comment: HDAC4: BS2

Laboratory of Genetics, Children's Clinical University Hospital Latvia
Classification: Likely benign. Last evaluated: 2025-02-16. Review status: criteria provided, single submitter. Criteria: ACMG Guidelines, 2015. Collection method: clinical testing. Allele origin: germline. Affected: yes.

Ambry Genetics
Classification: Likely benign for Inborn genetic diseases. Last evaluated: 2024-05-13. Review status: criteria provided, single submitter. Criteria: Ambry Variant Classification Scheme 2023. Collection method: clinical testing. Allele origin: germline.

Revvity Omics, Revvity
Classification: Uncertain significance for Neurodevelopmental disorder with central hypotonia and dysmorphic facies. Last evaluated: 2020-06-03. Review status: criteria provided, single submitter. Criteria: ACMG Guidelines, 2015. Collection method: clinical testing. Allele origin: germline.

Cambridge Genomics Laboratory, East Genomic Laboratory Hub, NHS Genomic Medicine Service
Classification: Likely benign for Intellectual disability. Last evaluated: 2020-03-27. Review status: criteria provided, single submitter. Criteria: ACGS Best Practice Guidelines for Variant Classification in Rare Disease 2020. Collection method: clinical testing. Allele origin: germline. Affected: yes. Observed: 1 variant allele.

Clinical Genetics DNA and cytogenetics Diagnostics Lab, Erasmus MC, Erasmus Medical Center
Classification: Uncertain significance. Review status: no assertion criteria provided. Collection method: clinical testing. Allele origin: germline. Affected: yes. Study: VKGL Data-share Consensus. Not counted in ClinVar's aggregate classification.

Diagnostic Laboratory, Department of Genetics, University Medical Center Groningen
Classification: Uncertain significance for Chromosome 2q37 deletion syndrome. Review status: no assertion criteria provided. Collection method: clinical testing. Allele origin: germline. Affected: yes. Study: VKGL Data-share Consensus. Not counted in ClinVar's aggregate classification.

NM_001378414.1(HDAC4):c.155G>A (p.Arg52His)

Gene: HDAC4 (histone deacetylase 4; minus strand). Cytogenetic location: 2q37.3.
Variant type: single nucleotide variant.
Coding change: c.155G>A on transcript NM_001378414.1 (MANE Select); coding-DNA position 155, G replaced by A.
Protein change: p.Arg52His; replaces arginine 52 with histidine.
Molecular consequence: missense variant.
Genome position (GRCh38, 1-based): chr2:239,190,017, C>T on the plus strand (G>A on the coding strand, the complement: HDAC4 is on the minus strand). VCF-style: chr2-239190017-C-T. GRCh37 (hg19) VCF-style: chr2-240111713-C-T.
Other names: c.155G>A, p.Arg52His (NM_001378415.1, NM_001378416.1, NM_001378417.1 and 1 more transcripts); short protein forms R52H.
Identifiers: ClinVar variation 518341 (VCV000518341.18), dbSNP rs777568201, ClinGen allele CA2200339.